The following is an entry in ClinVar:

ClinVar aggregate classification (germline): Likely pathogenic (1 of 4 stars; one submission).

Conditions:
Hermansky-Pudlak syndrome 6 (HPS6). Identifiers: Orphanet 231512, Orphanet 79430, MedGen C3888007, MONDO:0013558, OMIM 614075.

gnomAD v4.1: 1 of 1,506,512 alleles (0.000066%); highest among the groups gnomAD compares: Non-Finnish European, 0.000088%; no homozygotes.

Submission:

Laboratory of Genetic Epidemiology, Research Centre for Medical Genetics
Classification: Likely pathogenic for Hermansky-Pudlak syndrome 6. Last evaluated: 2025-01-01. Review status: criteria provided, single submitter. Criteria: ACMG Guidelines, 2015. Collection method: clinical testing. Allele origin: unknown. Inheritance: Autosomal recessive inheritance. Affected: yes. Observed: 1 heterozygote.
Comment: This variant has not been previously reported in the literature and is listed in gnomAD v2.1.1 with allele frequency 0.00001 in Europe (1/67948). The affected amino acid position is evolutionarily conserved, and multiple in silico prediction tools support a deleterious effect. Taken together, the variant meets the following ACMG/AMP criteria and can be classified as likely pathogenic with PM2, PP3, PM3, PP4 criteria.

Literature cited by the submitters: PubMed 41428507.

NM_024747.6(HPS6):c.241G>T (p.Ala81Ser)

Genes: HPS6 (HPS6 biogenesis of lysosomal organelles complex 2 subunit 3; plus strand), LOC130004578 (ATAC-STARR-seq lymphoblastoid silent region 2738; plus strand). Cytogenetic location: 10q24.32.
Variant type: single nucleotide variant.
Coding change: c.241G>T on transcript NM_024747.6 (MANE Select); coding-DNA position 241, G replaced by T.
Protein change: p.Ala81Ser; replaces alanine 81 with serine.
Molecular consequence: missense variant.
Genome position (GRCh38, 1-based): chr10:102,065,715, G>T. VCF-style: chr10-102065715-G-T. GRCh37 (hg19) VCF-style: chr10-103825472-G-T.
Other names: short protein forms A81S.
Identifiers: ClinVar variation 4077106 (VCV004077106.1).